The following is an entry in ClinVar:

ClinVar aggregate classification (germline): Pathogenic. Review status: reviewed by expert panel (3 of 4 stars). 2 submissions from 2 submitters: Pathogenic (1). 1 of the submissions does not count toward it. Last evaluated 2016-09-08.

Conditions:
Breast-ovarian cancer, familial, susceptibility to, 1 (BROVCA1). Also called: BRCA1 Hereditary Breast and Ovarian Cancer; OVARIAN CANCER, SUSCEPTIBILITY TO. Identifiers: Orphanet 145, MedGen C2676676, MONDO:0011450, OMIM 604370. Disease mechanism: loss of function.

Submissions (2):

Evidence-based Network for the Interpretation of Germline Mutant Alleles (ENIGMA)
Classification: Pathogenic for Breast-ovarian cancer, familial, susceptibility to, 1. Last evaluated: 2016-09-08. Review status: reviewed by expert panel. Criteria: ENIGMA BRCA1/2 Classification Criteria (2015). Collection method: curation. Allele origin: germline.
Comment: Variant allele predicted to encode a truncated non-functional protein.

Breast Cancer Information Core (BIC) (BRCA1)
Classification: Pathogenic for Breast-ovarian cancer, familial 1. Last evaluated: 2002-05-29. Review status: no assertion criteria provided. Collection method: clinical testing. Allele origin: germline. Affected: yes. Observed: 1 variant allele. Not counted in ClinVar's aggregate classification.

NM_007294.4(BRCA1):c.731del (p.Asn244fs)

Gene: BRCA1 (BRCA1 DNA repair associated; minus strand). Cytogenetic location: 17q21.31.
Variant type: Deletion.
Coding change: c.731del on transcript NM_007294.4 (MANE Select); coding-DNA position 731, one base deleted (A; older notation c.731delA).
Protein change: p.Asn244fs; shifts the reading frame from asparagine 244.
Molecular consequence: frameshift variant. On other transcripts: non-coding transcript variant (1).
Genome position (GRCh38, 1-based): chr17:43,094,800, T deleted on the plus strand (A on the coding strand, the reverse complement: BRCA1 is on the minus strand); the first of 2 consecutive T bases (chr17:43,094,800-43,094,801); deleting either gives the same sequence. VCF-style (leftmost placement, unchanged base first): chr17-43094799-AT-A. GRCh37 (hg19) VCF-style: chr17-41246816-AT-A.
Other names: 850delA; c.731delA (NM_007294.3); c.607delA, p.Asn203Metfs (NM_001407675.1, NM_001407676.1, NM_001407677.1 and 34 more transcripts); c.730delA, p.Asn244Metfs (NM_001407684.1, NM_001407854.1, NM_001407858.1 and 52 more transcripts); c.604delA, p.Asn202Metfs (NM_001407685.1, NM_001407686.1, NM_001407687.1 and 20 more transcripts); c.589delA, p.Asn197Metfs (NM_001407692.1, NM_001407694.1, NM_001407695.1 and 42 more transcripts); c.586delA, p.Asn196Metfs (NM_001407740.1, NM_001407741.1, NM_001407742.1 and 26 more transcripts); c.517delA, p.Asn173Metfs (NM_001407853.1, NM_001407894.1, NM_001407895.1 and 12 more transcripts); and 18 more; short protein forms N197fs, N244fs.
Identifiers: ClinVar variation 55681 (VCV000055681.3), dbSNP rs80357700, ClinGen allele CA003839.